The following is an entry in ClinVar:

ClinVar aggregate classification (germline): Uncertain significance. Review status: reviewed by expert panel (3 of 4 stars). 7 submissions from 7 submitters: Uncertain significance (1). 6 of the submissions do not count toward it. Last evaluated 2025-08-01.

Conditions:
RYR1-related disorder. Also called: RYR1-related disorders; RYR1-related condition. Identifiers: MedGen CN239331.
Malignant hyperthermia, susceptibility to, 1 (MHS1). Also called: Anesthesia related hyperthermia; Malignant hyperpyrexia; Fulminating hyperpyrexia; Pharmacogenic myopathy; RYR1-Related Malignant Hyperthermia Susceptibility; Malignant hyperthermia suceptibility 1. Identifiers: Orphanet 423, MedGen C2930980, MONDO:0007783, OMIM 145600.
Congenital multicore myopathy with external ophthalmoplegia (CMYO1B). Also called: MULTIMINICORE DISEASE WITH EXTERNAL OPHTHALMOPLEGIA; Congenital myopathy 1B, autosomal recessive; Minicore myopathy; Minicore myopathy with external ophthalmoplegia; MULTICORE MYOPATHY. Identifiers: Orphanet 598, Orphanet 98905, MedGen C1850674, MONDO:0009712, OMIM 255320, HP:0003789.
Congenital myopathy with fiber type disproportion. Also called: Congenital fiber-type disproportion myopathy; Congenital fiber-type disproportion. Identifiers: Orphanet 2020, MedGen C0546264, MONDO:0009711. Inheritance: all.
Central core myopathy (CMYO1A). Also called: CONGENITAL MYOPATHY 1A, AUTOSOMAL DOMINANT, WITH SUSCEPTIBILITY TO MALIGNANT HYPERTHERMIA; Central core disease; Myopathy, central fibrillar. Identifiers: Orphanet 597, MedGen C5830701, MONDO:0007294, OMIM 117000.
King Denborough syndrome (KDS). Identifiers: MedGen C1840365, MONDO:0020485, OMIM 619542.
Malignant hyperthermia of anesthesia. Also called: Anesthesic-triggered malignant hyperthermia. Identifiers: Orphanet 423, MedGen C0024591, MONDO:0018493, HP:0034733.

Allele frequency attached by ClinVar (database versions not stated): gnomAD exomes below 0.00001 and 0.00002; ExAC 0.00001; gnomAD 0.00002; TOPMed 0.00002; ESP Exome Variant Server 0.00008.
gnomAD v4.1: 26 of 1,613,526 alleles (0.0016%); highest among the groups gnomAD compares: East Asian, 0.0045%; no homozygotes.

Submissions (7):

ClinGen Malignant Hyperthermia Susceptibility Variant Curation Expert Panel, ClinGen
Classification: Uncertain significance for Malignant hyperthermia of anesthesia. Last evaluated: 2025-08-01. Review status: reviewed by expert panel. Criteria: ClinGen MHS ACMG Specifications V2. Collection method: curation. Allele origin: germline. Inheritance: Autosomal dominant inheritance.
Comment: This pathogenicity assessment is relevant only for malignant hyperthermia susceptibility (MHS) inherited in an autosomal dominant pattern. Variants in RYR1 can also cause other myopathies inherited in an autosomal dominant pattern or in an autosomal recessive pattern. Some of these disorders may predispose individuals to malignant hyperthermia. RYR1 variants may also contribute to a malignant hyperthermia reaction in combination with other genetic and non-genetic factors and the clinician needs to consider such factors in making management decisions. This sequence variant predicts a substitution of arginine with histidine at codon 2248 of the RYR1 protein, p.Arg2248His. The maximum allele frequency for this variant among the six major gnomAD populations is NFE: 0.000009, a frequency consistent with pathogenicity for MHS. This variant has been reported in an individual with a personal or family history of an MH episode and a positive in vitro contracture test (IVCT) or caffeine halothane contracture test (CHCT) result (if the proband was unavailable for testing, a positive diagnostic test result in a mutation-positive relative was counted), however, this individual had a second RYR1 variant of unknown significance (p.Ile2358Leu) and PS4 was not implemented (PMID:23558838). No functional studies were identified for this variant. This variant resides in a region of RYR1 considered to be a hotspot for pathogenic variants that contribute to MHS, PM1 (PMID: 21118704). A REVEL score of 0.654 supports neither a pathogenic nor a benign status for this variant. This variant has been classified as a Variant of Unknown Significance. Criteria implemented: PM1.

Labcorp Genetics (formerly Invitae), Labcorp
Classification: Uncertain significance for RYR1-related disorder. Last evaluated: 2024-09-02. Review status: criteria provided, single submitter. Criteria: Invitae Variant Classification Sherloc (09022015). Collection method: clinical testing. Allele origin: germline. Not counted in ClinVar's aggregate classification.
Comment: This sequence change replaces arginine, which is basic and polar, with histidine, which is basic and polar, at codon 2248 of the RYR1 protein (p.Arg2248His). This variant is not present in population databases (gnomAD no frequency). This missense change has been observed in individual(s) with clinical features of malignant hyperthermia susceptibility (PMID: 23558838). ClinVar contains an entry for this variant (Variation ID: 590574). Invitae Evidence Modeling of protein sequence and biophysical properties (such as structural, functional, and spatial information, amino acid conservation, physicochemical variation, residue mobility, and thermodynamic stability) has been performed for this missense variant. However, the output from this modeling did not meet the statistical confidence thresholds required to predict the impact of this variant on RYR1 protein function. In summary, the available evidence is currently insufficient to determine the role of this variant in disease. Therefore, it has been classified as a Variant of Uncertain Significance.

All of Us Research Program, National Institutes of Health
Classification: Uncertain significance for Malignant hyperthermia, susceptibility to, 1. Last evaluated: 2024-08-13. Review status: criteria provided, single submitter. Criteria: ACMG Guidelines, 2015. Collection method: clinical testing. Allele origin: germline. Inheritance: Autosomal dominant inheritance. Observed: 8 variant alleles, 8 heterozygotes. Not counted in ClinVar's aggregate classification.
Comment: This missense variant replaces arginine with histidine at codon 2248 of the RYR1 protein. Computational prediction is inconclusive regarding the impact of this variant on protein structure and function (internally defined REVEL score threshold 0.5 < inconclusive < 0.7, PMID: 27666373). To our knowledge, functional studies have not been reported for this variant. This variant has been reported in an individual affected with malignant hyperthermia susceptibility (PMID: 23558838). This variant has been identified in 1/251082 chromosomes in the general population by the Genome Aggregation Database (gnomAD). The available evidence is insufficient to determine the role of this variant in disease conclusively. Therefore, this variant is classified as a Variant of Uncertain Significance.

This study involves interpretation of variants in research participants for the purpose of population health screening. Participant phenotype was not available at the time of variant classification. Additional details can be found in publication PMID: 35346344, PMCID: PMC8962531

Color Diagnostics, LLC DBA Color Health
Classification: Uncertain significance for Malignant hyperthermia, susceptibility to, 1. Last evaluated: 2024-07-30. Review status: criteria provided, single submitter. Criteria: ACMG Guidelines, 2015. Collection method: clinical testing. Allele origin: germline. Not counted in ClinVar's aggregate classification.
Comment: This missense variant replaces arginine with histidine at codon 2248 of the RYR1 protein. Computational prediction is inconclusive regarding the impact of this variant on protein structure and function. To our knowledge, functional studies have not been reported for this variant. This variant has been reported in an individual affected with malignant hyperthermia susceptibility (PMID: 23558838). This variant has been identified in 1/251082 chromosomes in the general population by the Genome Aggregation Database (gnomAD). The available evidence is insufficient to determine the role of this variant in disease conclusively. Therefore, this variant is classified as a Variant of Uncertain Significance.

Fulgent Genetics
Classification: Uncertain significance for Central core myopathy; Malignant hyperthermia, susceptibility to, 1; Congenital myopathy 4A, autosomal dominant; Congenital multicore myopathy with external ophthalmoplegia; King Denborough syndrome. Last evaluated: 2021-08-11. Review status: criteria provided, single submitter. Criteria: ACMG Guidelines, 2015. Collection method: clinical testing. Allele origin: unknown. Not counted in ClinVar's aggregate classification.

Genomic Research Center, Shahid Beheshti University of Medical Sciences
Classification: Uncertain significance for RYR1-Related Disorders. Last evaluated: 2019-04-27. Review status: criteria provided, single submitter. Criteria: ACMG Guidelines, 2015. Collection method: clinical testing. Allele origin: unknown. Affected: no. Not counted in ClinVar's aggregate classification.

PreventionGenetics, part of Exact Sciences
Classification: Uncertain significance. Last evaluated: 2017-10-20. Review status: criteria provided, single submitter. Criteria: ACMG Guidelines, 2015. Collection method: clinical testing. Allele origin: germline. Not counted in ClinVar's aggregate classification.

Literature cited by the submitters: PubMed 23558838 (cited by 3 submitters).

NM_000540.3(RYR1):c.6743G>A (p.Arg2248His)

Gene: RYR1 (ryanodine receptor 1; plus strand). Cytogenetic location: 19q13.2.
Variant type: single nucleotide variant.
Coding change: c.6743G>A on transcript NM_000540.3 (MANE Select); coding-DNA position 6743, G replaced by A.
Protein change: p.Arg2248His; replaces arginine 2248 with histidine.
Molecular consequence: missense variant.
Genome position (GRCh38, 1-based): chr19:38,496,488, G>A. VCF-style: chr19-38496488-G-A. GRCh37 (hg19) VCF-style: chr19-38987128-G-A.
Other names: NM_000540.2(RYR1):c.6743G>A; p.Arg2248His; c.6743G>A, p.Arg2248His (NM_001042723.2); short protein forms R2248H.
Identifiers: ClinVar variation 590574 (VCV000590574.16), dbSNP rs140152019, ClinGen allele CA068627.